The following is an entry in ClinVar:

ClinVar aggregate classification (germline): Uncertain significance (1 of 4 stars; one submission).

Allele frequency attached by ClinVar (database versions not stated): gnomAD exomes below 0.00001; gnomAD 0.00001.
gnomAD v4.1: 2 of 1,614,046 alleles (0.00012%); highest among the groups gnomAD compares: Admixed American, 0.0017%; no homozygotes.

Submission:

Labcorp Genetics (formerly Invitae), Labcorp
Classification: Uncertain significance. Last evaluated: 2021-10-29. Review status: criteria provided, single submitter. Criteria: Invitae Variant Classification Sherloc (09022015). Collection method: clinical testing. Allele origin: germline.
Comment: This variant has not been reported in the literature in individuals affected with RUSC2-related conditions. In summary, the available evidence is currently insufficient to determine the role of this variant in disease. Therefore, it has been classified as a Variant of Uncertain Significance. Algorithms developed to predict the effect of missense changes on protein structure and function are either unavailable or do not agree on the potential impact of this missense change (SIFT: "Tolerated"; PolyPhen-2: "Probably Damaging"; Align-GVGD: "Class C0"). This variant is not present in population databases (gnomAD no frequency). This sequence change replaces serine, which is neutral and polar, with glycine, which is neutral and non-polar, at codon 307 of the RUSC2 protein (p.Ser307Gly).

NM_014806.5(RUSC2):c.919A>G (p.Ser307Gly)

Gene: RUSC2 (RUN and SH3 domain containing 2; plus strand). Cytogenetic location: 9p13.3.
Variant type: single nucleotide variant.
Coding change: c.919A>G on transcript NM_014806.5 (MANE Select); coding-DNA position 919, A replaced by G.
Protein change: p.Ser307Gly; replaces serine 307 with glycine.
Molecular consequence: missense variant. On other transcripts: non-coding transcript variant (1), intron variant (1).
Genome position (GRCh38, 1-based): chr9:35,547,440, A>G. VCF-style: chr9-35547440-A-G. GRCh37 (hg19) VCF-style: chr9-35547437-A-G.
Other names: c.919A>G, p.Ser307Gly (NM_001135999.2); c.-620-7620A>G (NM_001330740.2); short protein forms S307G.
Identifiers: ClinVar variation 1519954 (VCV001519954.5), dbSNP rs1180638455, ClinGen allele CA373329694.
Genomic context (GRCh38, chr9:35,547,440, plus strand): 5'-CTCTACAACAAGATGCATGGCACCCCCCGTGCCAATCTCAACTCTGCCCCACAGTCCTGC[A>G]GCGACTCTTCCTTCTGCAGCCACTCAGACCCTGGCGCCTTCTATCTGGATCTGCAGCCCT-3'
Protein context (NP_055621.2, residues 297-317): ANLNSAPQSC[Ser307Gly]DSSFCSHSDP